The following is an entry in ClinVar:

NM_001374828.1(ARID1B):c.4686G>A (p.Gln1562=)

Gene: ARID1B (AT-rich interaction domain 1B; plus strand). Cytogenetic location: 6q25.3.
Variant type: single nucleotide variant.
Coding change: c.4686G>A on transcript NM_001374828.1 (MANE Select); coding-DNA position 4686, G replaced by A.
Protein change: p.Gln1562=; no amino-acid change (glutamine 1562 retained).
Molecular consequence: synonymous variant.
Genome position (GRCh38, 1-based): chr6:157,200,911, G>A. VCF-style: chr6-157200911-G-A. GRCh37 (hg19) VCF-style: chr6-157522045-G-A.
Other names: c.4437G>A, p.Gln1479= (NM_001346813.1); c.2187G>A, p.Gln729= (NM_001363725.2); c.4566G>A, p.Gln1522= (NM_001371656.1, NM_001374820.1); c.4527G>A, p.Gln1509= (NM_017519.3); c.4317G>A, p.Gln1439= (NM_020732.3); c.4104G>A, p.Gln1368= (NM_175863.2).
Identifiers: ClinVar variation 2181730 (VCV002181730.5), dbSNP rs527711444, ClinGen allele CA4067683.

ClinVar aggregate classification (germline): Benign/Likely benign. Review status: criteria provided, multiple submitters, no conflicts (2 of 4 stars). 2 submissions from 2 submitters: Benign (1); Likely benign (1). Last evaluated 2025-11-20.

Conditions:
ARID1B-Related Disorder. Identifiers: MedGen CN381337.

Allele frequency attached by ClinVar (database versions not stated): gnomAD 0.00006; TOPMed 0.00009; 1000 Genomes Project 30x 0.00016; ExAC 0.00017; 1000 Genomes Project 0.00020.
gnomAD v4.1: 178 of 1,613,832 alleles (0.011%); highest among the groups gnomAD compares: East Asian, 0.39%; no homozygotes.

Submissions (2):

PreventionGenetics, part of Exact Sciences
Classification: Likely benign for ARID1B-related condition. Last evaluated: 2025-11-20. Review status: criteria provided, single submitter. Criteria: ACMG Guidelines, 2015. Collection method: clinical testing. Allele origin: germline.
Comment: This variant is classified as likely benign based on ACMG/AMP sequence variant interpretation guidelines (Richards et al. 2015 PMID: 25741868, with internal and published modifications).

Labcorp Genetics (formerly Invitae), Labcorp
Classification: Benign. Last evaluated: 2024-10-21. Review status: criteria provided, single submitter. Criteria: Invitae Variant Classification Sherloc (09022015). Collection method: clinical testing. Allele origin: germline.